The following is an entry in ClinVar:

ClinVar aggregate classification (germline): Uncertain significance (1 of 4 stars; one submission).

Submission:

Dasa
Classification: Uncertain significance. Last evaluated: 2024-06-06. Review status: criteria provided, single submitter. Criteria: DASA Assertion Criteria. Collection method: clinical testing. Allele origin: germline.
Comment: NM_012250.6(RRAS2):c.55G>C (p.Val19Leu) is a missense variant that results in the substitution of valine with leucine. The affected residue or protein region has prior evidence supporting clinical relevance. This variant is rare in population databases. The currently available literature and clinical evidence are not sufficient to establish a definitive association between this variant and the reported condition. Therefore, this variant is classified as a variant of uncertain significance.

NM_012250.6(RRAS2):c.55G>C (p.Val19Leu)

Genes: RRAS2 (RAS related 2; minus strand), LOC130005368 (ATAC-STARR-seq lymphoblastoid silent region 3172; plus strand). Cytogenetic location: 11p15.2.
Variant type: single nucleotide variant.
Coding change: c.55G>C on transcript NM_012250.6 (MANE Select); coding-DNA position 55, G replaced by C.
Protein change: p.Val19Leu; replaces valine 19 with leucine.
Molecular consequence: missense variant. On other transcripts: intron variant (1).
Genome position (GRCh38, 1-based): chr11:14,358,816, C>G on the plus strand (G>C on the coding strand, the complement: RRAS2 is on the minus strand). VCF-style: chr11-14358816-C-G. GRCh37 (hg19) VCF-style: chr11-14380362-C-G.
Other names: c.55G>C, p.Val19Leu (NM_001440708.1); c.3+5575G>C (NM_001177314.2); short protein forms V19L.
Identifiers: ClinVar variation 4882632 (VCV004882632.2).